The following is an entry in ClinVar:

NM_004006.3(DMD):c.8279A>G (p.Gln2760Arg)

Gene: DMD (dystrophin; minus strand). Cytogenetic location: Xp21.1.
Variant type: single nucleotide variant.
Coding change: c.8279A>G on transcript NM_004006.3 (MANE Select); coding-DNA position 8279, A replaced by G.
Protein change: p.Gln2760Arg; replaces glutamine 2760 with arginine.
Molecular consequence: missense variant.
Genome position (GRCh38, 1-based): chrX:31,507,392, T>C on the plus strand (A>G on the coding strand, the complement: DMD is on the minus strand). VCF-style: chrX-31507392-T-C. GRCh37 (hg19) VCF-style: chrX-31525509-T-C.
Other names: c.8255A>G, p.Gln2752Arg (NM_000109.4); c.8267A>G, p.Gln2756Arg (NM_004009.3); c.7910A>G, p.Gln2637Arg (NM_004010.3); c.4256A>G, p.Gln1419Arg (NM_004011.4); c.4247A>G, p.Gln1416Arg (NM_004012.4); c.899A>G, p.Gln300Arg (NM_004013.3, NM_004020.4, NM_004021.3 and 2 more transcripts); c.92A>G, p.Gln31Arg (NM_004014.3); short protein forms Q1416R, Q1419R, Q2637R, Q2752R, Q2756R, Q2760R, Q300R, Q31R.
Identifiers: ClinVar variation 1806862 (VCV001806862.3), dbSNP rs754683750, ClinGen allele CA10378098.

ClinVar aggregate classification (germline): Uncertain significance. Review status: criteria provided, multiple submitters, no conflicts (2 of 4 stars). 2 submissions from 2 submitters: Uncertain significance (2). Last evaluated 2025-05-30.

Conditions:
Duchenne muscular dystrophy (DMD). Also called: MUSCULAR DYSTROPHY, PSEUDOHYPERTROPHIC PROGRESSIVE, DUCHENNE TYPE; Duchenne Muscular Dystrophy (DMD). Identifiers: Orphanet 98896, MedGen C0013264, MONDO:0010679, OMIM 310200.

Allele frequency attached by ClinVar (database versions not stated): gnomAD exomes below 0.00001; ExAC 0.00001.
gnomAD v4.1: 1 of 1,211,612 alleles (0.000083%); highest among the groups gnomAD compares: Non-Finnish European, 0.00011%; no homozygotes.

Submissions (2):

Labcorp Genetics (formerly Invitae), Labcorp
Classification: Uncertain significance for Duchenne muscular dystrophy. Last evaluated: 2025-05-30. Review status: criteria provided, single submitter. Criteria: Invitae Variant Classification Sherloc (09022015). Collection method: clinical testing. Allele origin: germline.
Comment: This sequence change replaces glutamine, which is neutral and polar, with arginine, which is basic and polar, at codon 2760 of the DMD protein (p.Gln2760Arg). This variant is present in population databases (rs754683750, gnomAD 0.001%). This variant has not been reported in the literature in individuals affected with DMD-related conditions. ClinVar contains an entry for this variant (Variation ID: 1806862). Invitae Evidence Modeling of protein sequence and biophysical properties (such as structural, functional, and spatial information, amino acid conservation, physicochemical variation, residue mobility, and thermodynamic stability) indicates that this missense variant is not expected to disrupt DMD protein function with a negative predictive value of 95%. In summary, the available evidence is currently insufficient to determine the role of this variant in disease. Therefore, it has been classified as a Variant of Uncertain Significance.

Athena Diagnostics
Classification: Uncertain significance. Last evaluated: 2021-07-30. Review status: criteria provided, single submitter. Criteria: Athena Diagnostics Criteria. Collection method: clinical testing. Allele origin: unknown.